The following is an entry in ClinVar:

NM_005271.5(GLUD1):c.122_148del (p.Pro41_Ala49del)

Genes: GLUD1 (glutamate dehydrogenase 1; minus strand), SHLD2 (shieldin complex subunit 2; plus strand), LOC130004255 (ATAC-STARR-seq lymphoblastoid silent region 2577; plus strand). Cytogenetic location: 10q23.2.
Variant type: Deletion.
Coding change: c.122_148del on transcript NM_005271.5 (MANE Select); coding-DNA positions 122 to 148, 27 bases deleted (CGCAGCCGGGGCTGGCATTGGCCGCCC).
Protein change: p.Pro41_Ala49del.
Molecular consequence: inframe deletion. On other transcripts: 5 prime UTR variant (3).
Genome position (GRCh38, 1-based): chr10:87,094,622-87,094,648, GGGCGGCCAATGCCAGCCCCGGCTGCG deleted on the plus strand (CGCAGCCGGGGCTGGCATTGGCCGCCC on the coding strand, the reverse complement: GLUD1 is on the minus strand); deleting any 27 consecutive bases within chr10:87,094,622-87,094,655 gives the same sequence; the c. name uses the placement nearest the transcript's 3' end. VCF-style (leftmost placement, unchanged base first): chr10-87094621-CGGGCGGCCAATGCCAGCCCCGGCTGCG-C. GRCh37 (hg19) VCF-style: chr10-88854378-CGGGCGGCCAATGCCAGCCCCGGCTGCG-C.
Other names: c.-607_-581del (NM_001318904.2); c.-733_-707del (NM_001318905.2); c.-440_-414del (NM_001318906.2).
Identifiers: ClinVar variation 2101422 (VCV002101422.4), dbSNP rs2539927339, ClinGen allele CA2574601585.
Genomic context (GRCh38, chr10:87,094,621, plus strand): 5'-ACCATCTTGAAGAAGTTGGGGTCGTCCTCGCGGTCGGCCACCGCCTCGCTGTAGTGGCGC[CGGGCGGCCAATGCCAGCCCCGGCTGCG>C]GGGCGGCGGCGGGCTGTCCCCGGGCCCAGCCCAGCAACGCGGCCGAGTCGGCGGACGCCG-3'

ClinVar aggregate classification (germline): Uncertain significance (1 of 4 stars; one submission).

Conditions:
Hyperinsulinism-hyperammonemia syndrome (HHF6). Identifiers: Orphanet 35878, MedGen C1847555, MONDO:0011717, OMIM 606762.

Submission:

Labcorp Genetics (formerly Invitae), Labcorp
Classification: Uncertain significance for Hyperinsulinism-hyperammonemia syndrome. Last evaluated: 2024-10-28. Review status: criteria provided, single submitter. Criteria: Invitae Variant Classification Sherloc (09022015). Collection method: clinical testing. Allele origin: germline.
Comment: This variant, c.122_148del, results in the deletion of 9 amino acid(s) of the GLUD1 protein (p.Pro41_Ala49del), but otherwise preserves the integrity of the reading frame. This variant is not present in population databases (gnomAD no frequency). This variant has not been reported in the literature in individuals affected with GLUD1-related conditions. ClinVar contains an entry for this variant (Variation ID: 2101422). Experimental studies and prediction algorithms are not available or were not evaluated, and the functional significance of this variant is currently unknown. In summary, the available evidence is currently insufficient to determine the role of this variant in disease. Therefore, it has been classified as a Variant of Uncertain Significance.